The following is an entry in ClinVar:

ClinVar aggregate classification (germline): Uncertain significance (1 of 4 stars; one submission).

Allele frequency attached by ClinVar (database versions not stated): TOPMed below 0.00001; ExAC 0.00001; gnomAD 0.00001; ESP Exome Variant Server 0.00008.
gnomAD v4.1: 9 of 1,613,140 alleles (0.00056%); highest among the groups gnomAD compares: Non-Finnish European, 0.00076%; no homozygotes.

Submission:

Labcorp Genetics (formerly Invitae), Labcorp
Classification: Uncertain significance. Last evaluated: 2022-04-10. Review status: criteria provided, single submitter. Criteria: Invitae Variant Classification Sherloc (09022015). Collection method: clinical testing. Allele origin: germline.
Comment: In summary, the available evidence is currently insufficient to determine the role of this variant in disease. Therefore, it has been classified as a Variant of Uncertain Significance. Algorithms developed to predict the effect of missense changes on protein structure and function output the following: SIFT: "Tolerated"; PolyPhen-2: "Benign"; Align-GVGD: "Class C0". The aspartic acid amino acid residue is found in multiple mammalian species, which suggests that this missense change does not adversely affect protein function. This variant has not been reported in the literature in individuals affected with ADAMTS10-related conditions. This variant is not present in population databases (gnomAD no frequency). This sequence change replaces glutamic acid, which is acidic and polar, with aspartic acid, which is acidic and polar, at codon 758 of the ADAMTS10 protein (p.Glu758Asp).

NM_030957.4(ADAMTS10):c.2274G>C (p.Glu758Asp)

Gene: ADAMTS10 (ADAM metallopeptidase with thrombospondin type 1 motif 10; minus strand). Cytogenetic location: 19p13.2.
Variant type: single nucleotide variant.
Coding change: c.2274G>C on transcript NM_030957.4 (MANE Select); coding-DNA position 2274, G replaced by C.
Protein change: p.Glu758Asp; replaces glutamic acid 758 with aspartic acid.
Molecular consequence: missense variant.
Genome position (GRCh38, 1-based): chr19:8,586,687, C>G on the plus strand (G>C on the coding strand, the complement: ADAMTS10 is on the minus strand). VCF-style: chr19-8586687-C-G. GRCh37 (hg19) VCF-style: chr19-8651571-C-G.
Other names: c.735G>C, p.Glu245Asp (NM_001282352.2); short protein forms E245D, E758D.
Identifiers: ClinVar variation 2080842 (VCV002080842.3), dbSNP rs147658534, ClinGen allele CA9160149.